The following is an entry in ClinVar:

ClinVar aggregate classification (germline): Uncertain significance (1 of 4 stars; one submission).

Conditions:
Lafora disease. Also called: Epilepsy progressive myoclonic 2; Progressive Myoclonus Epilepsy, Lafora Type. Identifiers: Orphanet 501, MedGen C0751783, MONDO:0009697.

Allele frequency attached by ClinVar (database versions not stated): gnomAD exomes below 0.00001.
gnomAD v4.1: 1 of 1,614,094 alleles (0.000062%); highest among the groups gnomAD compares: Admixed American, 0.0017%; no homozygotes.

Submission:

Labcorp Genetics (formerly Invitae), Labcorp
Classification: Uncertain significance for Lafora disease. Last evaluated: 2022-06-28. Review status: criteria provided, single submitter. Criteria: Invitae Variant Classification Sherloc (09022015). Collection method: clinical testing. Allele origin: germline.
Comment: This sequence change affects codon 173 of the NHLRC1 mRNA. It is a 'silent' change, meaning that it does not change the encoded amino acid sequence of the NHLRC1 protein. In summary, the available evidence is currently insufficient to determine the role of this variant in disease. Therefore, it has been classified as a Variant of Uncertain Significance. This variant has not been reported in the literature in individuals affected with NHLRC1-related conditions. This variant is not present in population databases (gnomAD no frequency).

NM_198586.3(NHLRC1):c.519C>T (p.Asp173=)

Gene: NHLRC1 (NHL repeat containing E3 ubiquitin protein ligase 1; minus strand). Cytogenetic location: 6p22.3.
Variant type: single nucleotide variant.
Coding change: c.519C>T on transcript NM_198586.3 (MANE Select); coding-DNA position 519, C replaced by T.
Protein change: p.Asp173=; no amino-acid change (aspartic acid 173 retained).
Molecular consequence: synonymous variant.
Genome position (GRCh38, 1-based): chr6:18,122,088, G>A on the plus strand (C>T on the coding strand, the complement: NHLRC1 is on the minus strand). VCF-style: chr6-18122088-G-A. GRCh37 (hg19) VCF-style: chr6-18122319-G-A.
Identifiers: ClinVar variation 2011650 (VCV002011650.4), dbSNP rs2533896979, ClinGen allele CA448958149.